The following is an entry in ClinVar:

ClinVar aggregate classification (germline): Benign (3 of 4 stars; one submission).

Conditions:
Hereditary thrombocytopenia and hematological cancer predisposition syndrome associated with RUNX1. Also called: PLATELET DISORDER, ASPIRIN-LIKE; RUNX1 Familial Platelet Disorder with Associated Myeloid Malignancies; Familial Platelet Disorder with Propensity to Acute Myelogenous Leukemia; Familial thrombocytopenia with propensity to acute myelogenous leukemia. Identifiers: Orphanet 71290, MedGen C1832388, MeSH C563324, MONDO:0100083, OMIM 601399.

Submission:

ClinGen Myeloid Malignancy Variant Curation Expert Panel
Classification: Benign for Hereditary thrombocytopenia and hematologic cancer predisposition syndrome. Last evaluated: 2020-01-13. Review status: reviewed by expert panel. Criteria: ClinGen MyeloMalig ACMG Specifications v1. Collection method: curation. Allele origin: germline. Inheritance: Autosomal dominant inheritance.
Comment: The NM_001001890.3:c.*2533_*2534TG[10] (or c.*2549_*2550dup) variant in the 3' UTR has an MAF of 0.156 (15.6%, 6456/41366 alleles) in the African subpopulation of the gnomAD v3 cohort and is =/> 0.0015 (0.15%) (BA1). This variant is detected in a homozygous state in 467 individuals in the gnomAD v3 population database (BP2). In summary, this variant meets criteria to be classified as benign. ACMG/AMP criteria applied, as specified by the Myeloid Malignancy Variant Curation Expert Panel for RUNX1: BA1, BP2.

NM_001754.5(RUNX1):c.*2533TG[10]

Gene: RUNX1 (RUNX family transcription factor 1; minus strand). Cytogenetic location: 21q22.12.
Variant type: Microsatellite.
Coding change: c.*2533TG[10] on transcript NM_001754.5 (MANE Select); ten copies in a row of the 2-base unit TG starting at c.*2533; the reference has nine copies in a row; one copy, 2 bases duplicated.
Molecular consequence: 3 prime UTR variant.
Genome position (GRCh38, 1-based): chr21:34,789,585-34,789,586, CA duplicated on the plus strand (TG on the coding strand, the reverse complement: RUNX1 is on the minus strand); duplicating any 2 consecutive bases within chr21:34,789,585-34,789,603 gives the same sequence; the position shown is the placement nearest the transcript's 3' end. VCF-style (leftmost placement, unchanged base first): chr21-34789584-T-TCA. GRCh37 (hg19) VCF-style: chr21-36161881-T-TCA.
Other names: c.*2533TG[10] (NM_001001890.3); c.*2533_*2534TG[10] (NM_001001890.3).
Identifiers: ClinVar variation 339827 (VCV000339827.6), dbSNP rs371955155, ClinGen allele CA10653557.